The following is an entry in ClinVar:

ClinVar aggregate classification (germline): Pathogenic (1 of 4 stars; one submission).

Conditions:
Hereditary spastic paraplegia 39 (SPG39). Also called: SPASTIC PARAPLEGIA 39, AUTOSOMAL RECESSIVE; Spastic Paraplegia Type 39 (SPG39). Identifiers: Orphanet 139480, MedGen C2677586, MONDO:0012787, OMIM 612020.

Submission:

Labcorp Genetics (formerly Invitae), Labcorp
Classification: Pathogenic for Hereditary spastic paraplegia 39. Last evaluated: 2025-05-22. Review status: criteria provided, single submitter. Criteria: Invitae Variant Classification Sherloc (09022015). Collection method: clinical testing. Allele origin: germline.
Comment: This sequence change creates a premature translational stop signal (p.Arg979Profs*8) in the PNPLA6 gene. It is expected to result in an absent or disrupted protein product. Loss-of-function variants in PNPLA6 are known to be pathogenic (PMID: 24355708). This variant is not present in population databases (gnomAD no frequency). This variant has not been reported in the literature in individuals affected with PNPLA6-related conditions. For these reasons, this variant has been classified as Pathogenic.

Literature cited by the submitters: PubMed 24355708.

NM_001166114.2(PNPLA6):c.3050_3077del (p.Arg1017fs)

Gene: PNPLA6 (patatin like domain 6, lysophospholipase; plus strand). Cytogenetic location: 19p13.2.
Variant type: Deletion.
Coding change: c.3050_3077del on transcript NM_001166114.2 (MANE Select); coding-DNA positions 3050 to 3077, 28 bases deleted (GCAGCGCCAGCCGCACGAAGCAGCGGGC).
Protein change: p.Arg1017fs; shifts the reading frame from arginine 1017.
Molecular consequence: frameshift variant.
Genome position (GRCh38, 1-based): chr19:7,555,720-7,555,747, GCAGCGCCAGCCGCACGAAGCAGCGGGC deleted; deleting any 28 consecutive bases within chr19:7,555,718-7,555,747 gives the same sequence; the c. name uses the placement nearest the transcript's 3' end. VCF-style (leftmost placement, unchanged base first): chr19-7555717-AGCGCAGCGCCAGCCGCACGAAGCAGCGG-A. GRCh37 (hg19) VCF-style: chr19-7620603-AGCGCAGCGCCAGCCGCACGAAGCAGCGG-A.
Other names: c.3080_3107del, p.Arg1027fs (NM_001166111.2); c.2855_2882del, p.Arg952fs (NM_001166112.2); c.2936_2963del, p.Arg979fs (NM_001166113.1, NM_006702.5); short protein forms R1017fs, R1027fs, R952fs, R979fs.
Identifiers: ClinVar variation 4809967 (VCV004809967.1).
Genomic context (GRCh38, chr19:7,555,717, plus strand): 5'-CCGTGGACCTGGTGGGCGGCACGTCCATTGGCTCTTTCATCGGAGCGTTGTACGCGGAGG[AGCGCAGCGCCAGCCGCACGAAGCAGCGG>A]GCCCGGGAGTGGGCCAAGGTGTGTGTTGCGAGGAGGGATTGCTGCACCCCAGGAGTGCCA-3'